The following is an entry in ClinVar:

ClinVar aggregate classification (germline): Uncertain significance. Review status: criteria provided, multiple submitters, no conflicts (2 of 4 stars). 2 submissions from 2 submitters: Uncertain significance (2). Last evaluated 2025-06-18.

Conditions:
Renal cell carcinoma. Identifiers: Orphanet 217071, MedGen C0007134, MeSH D002292, MONDO:0005086, HP:0005584.
Hereditary cancer-predisposing syndrome. Also called: Hereditary neoplastic syndrome; Neoplastic Syndromes, Hereditary; Tumor predisposition; Hereditary Cancer Syndrome. Identifiers: Orphanet 140162, MedGen C0027672, MeSH D009386, MONDO:0015356.

Submissions (2):

Labcorp Genetics (formerly Invitae), Labcorp
Classification: Uncertain significance for Renal cell carcinoma. Last evaluated: 2025-06-18. Review status: criteria provided, single submitter. Criteria: Invitae Variant Classification Sherloc (09022015). Collection method: clinical testing. Allele origin: germline.
Comment: This sequence change replaces aspartic acid, which is acidic and polar, with valine, which is neutral and non-polar, at codon 1072 of the MET protein (p.Asp1072Val). This variant is not present in population databases (gnomAD no frequency). This variant has not been reported in the literature in individuals affected with MET-related conditions. ClinVar contains an entry for this variant (Variation ID: 1507734). Invitae Evidence Modeling of protein sequence and biophysical properties (such as structural, functional, and spatial information, amino acid conservation, physicochemical variation, residue mobility, and thermodynamic stability) indicates that this missense variant is not expected to disrupt MET protein function with a negative predictive value of 80%. In summary, the available evidence is currently insufficient to determine the role of this variant in disease. Therefore, it has been classified as a Variant of Uncertain Significance.

Ambry Genetics
Classification: Uncertain significance for Hereditary cancer-predisposing syndrome. Last evaluated: 2025-06-12. Review status: criteria provided, single submitter. Criteria: Ambry Variant Classification Scheme 2023. Collection method: clinical testing. Allele origin: germline.
Comment: The p.D1072V variant (also known as c.3215A>T), located in coding exon 14 of the MET gene, results from an A to T substitution at nucleotide position 3215. The aspartic acid at codon 1072 is replaced by valine, an amino acid with highly dissimilar properties. This amino acid position is conserved. In addition, this alteration is predicted to be deleterious by in silico analysis. Based on the available evidence, the clinical significance of this variant remains unclear.

NM_000245.4(MET):c.3161A>T (p.Asp1054Val)

Gene: MET (MET proto-oncogene, receptor tyrosine kinase; plus strand). Cytogenetic location: 7q31.2.
Variant type: single nucleotide variant.
Coding change: c.3161A>T on transcript NM_000245.4 (MANE Select); coding-DNA position 3161, A replaced by T.
Protein change: p.Asp1054Val; replaces aspartic acid 1054 with valine.
Molecular consequence: missense variant.
Genome position (GRCh38, 1-based): chr7:116,775,013, A>T. VCF-style: chr7-116775013-A-T. GRCh37 (hg19) VCF-style: chr7-116415067-A-T.
Other names: c.3215A>T, p.Asp1072Val (NM_001127500.3); c.1871A>T, p.Asp624Val (NM_001324402.2); c.3215A>T (NM_001127500.1); short protein forms D1072V, D1054V, D624V.
Identifiers: ClinVar variation 1507734 (VCV001507734.7), dbSNP rs2117031126, ClinGen allele CA368988413.